The following is an entry in ClinVar:

ClinVar aggregate classification (germline): Uncertain significance. Review status: criteria provided, multiple submitters, no conflicts (2 of 4 stars). 2 submissions from 2 submitters: Uncertain significance (2). Last evaluated 2024-12-10.

gnomAD v4.1: 28 of 1,614,206 alleles (0.0017%); highest among the groups gnomAD compares: Admixed American, 0.018%; no homozygotes.

Submissions (2):

Ambry Genetics
Classification: Uncertain significance. Last evaluated: 2024-12-10. Review status: criteria provided, single submitter. Criteria: Ambry Variant Classification Scheme 2023. Collection method: clinical testing. Allele origin: germline.

Labcorp Genetics (formerly Invitae), Labcorp
Classification: Uncertain significance. Last evaluated: 2024-06-24. Review status: criteria provided, single submitter. Criteria: Invitae Variant Classification Sherloc (09022015). Collection method: clinical testing. Allele origin: germline.
Comment: This sequence change replaces glutamic acid, which is acidic and polar, with lysine, which is basic and polar, at codon 2899 of the FAT2 protein (p.Glu2899Lys). This variant is present in population databases (rs201309303, gnomAD 0.006%). This variant has not been reported in the literature in individuals affected with FAT2-related conditions. Advanced modeling of protein sequence and biophysical properties (such as structural, functional, and spatial information, amino acid conservation, physicochemical variation, residue mobility, and thermodynamic stability) performed at Invitae indicates that this missense variant is not expected to disrupt FAT2 protein function with a negative predictive value of 80%. In summary, the available evidence is currently insufficient to determine the role of this variant in disease. Therefore, it has been classified as a Variant of Uncertain Significance.

NM_001447.3(FAT2):c.8695G>A (p.Glu2899Lys)

Genes: FAT2 (FAT atypical cadherin 2; minus strand), SLC36A1 (solute carrier family 36 member 1; plus strand). Cytogenetic location: 5q33.1.
Variant type: single nucleotide variant.
Coding change: c.8695G>A on transcript NM_001447.3 (MANE Select); coding-DNA position 8695, G replaced by A.
Protein change: p.Glu2899Lys; replaces glutamic acid 2899 with lysine.
Molecular consequence: missense variant.
Genome position (GRCh38, 1-based): chr5:151,542,432, C>T on the plus strand (G>A on the coding strand, the complement: FAT2 is on the minus strand). VCF-style: chr5-151542432-C-T. GRCh37 (hg19) VCF-style: chr5-150921993-C-T.
Other names: short protein forms E2899K.
Identifiers: ClinVar variation 3513241 (VCV003513241.3).